The following is an entry in ClinVar:

NM_007294.4(BRCA1):c.1270G>A (p.Gly424Ser)

Gene: BRCA1 (BRCA1 DNA repair associated; minus strand). Cytogenetic location: 17q21.31.
Variant type: single nucleotide variant.
Coding change: c.1270G>A on transcript NM_007294.4 (MANE Select); coding-DNA position 1270, G replaced by A.
Protein change: p.Gly424Ser; replaces glycine 424 with serine.
Molecular consequence: missense variant. On other transcripts: intron variant (137).
Genome position (GRCh38, 1-based): chr17:43,094,261, C>T on the plus strand (G>A on the coding strand, the complement: BRCA1 is on the minus strand). VCF-style: chr17-43094261-C-T. GRCh37 (hg19) VCF-style: chr17-41246278-C-T.
Other names: c.1270G>A, p.Gly424Ser (NM_001407596.1, NM_001407597.1, NM_001407598.1 and 30 more transcripts); c.1267G>A, p.Gly423Ser (NM_001407610.1, NM_001407611.1, NM_001407612.1 and 22 more transcripts); c.1261G>A, p.Gly421Ser (NM_001407646.1, NM_001407647.1); c.1147G>A, p.Gly383Ser (NM_001407648.1, NM_001407665.1, NM_001407666.1 and 19 more transcripts); c.1144G>A, p.Gly382Ser (NM_001407649.1, NM_001407670.1, NM_001407671.1 and 11 more transcripts); c.1192G>A, p.Gly398Ser (NM_001407653.1, NM_001407654.1, NM_001407655.1 and 4 more transcripts); c.1129G>A, p.Gly377Ser (NM_001407692.1, NM_001407729.1, NM_001407730.1 and 29 more transcripts); c.1126G>A, p.Gly376Ser (NM_001407748.1, NM_001407749.1, NM_001407838.1 and 20 more transcripts); and 40 more; short protein forms G424S, G377S, G335S, G353S, G376S, G397S, G398S, G128S.
Identifiers: ClinVar variation 630131 (VCV000630131.36), dbSNP rs763051683, ClinGen allele CA057134.
Genomic context (GRCh38, chr17:43,094,261, plus strand): 5'-TTTTACATATTAAAGCCTCATGAGGATCACTGGCCAGTAAGTCTATTTTCTCTGAAGAAC[C>T]AGAATATTCATCTACCTCATTTAGAACGTCCAATACATCAGCTACTTTGGCATTTGATTC-3'
Protein context (NP_009225.1, residues 414-434): DVLNEVDEYS[Gly424Ser]SSEKIDLLAS

ClinVar aggregate classification (germline): Conflicting classifications of pathogenicity. Review status: criteria provided, conflicting classifications (1 of 4 stars). 4 submissions from 4 submitters: Uncertain significance (3); Likely benign (1). Last evaluated 2023-03-23.

Conditions:
Hereditary cancer-predisposing syndrome. Also called: Neoplastic Syndromes, Hereditary; Hereditary Cancer Syndrome; Tumor predisposition; Hereditary neoplastic syndrome. Identifiers: Orphanet 140162, MedGen C0027672, MeSH D009386, MONDO:0015356.
Hereditary breast ovarian cancer syndrome. Also called: Hereditary breast and ovarian cancer syndrome; Hereditary breast and ovarian cancer syndrome (HBOC); Hereditary breast and ovarian cancer; Hereditary breast and/or ovarian cancer syndrome; Breast and ovarian cancer; BRCA1- and BRCA2-Associated Hereditary Breast and Ovarian Cancer. Identifiers: Orphanet 145, MedGen C0677776, MeSH D061325, MONDO:0003582. Disease mechanism: loss of function.

Allele frequency attached by ClinVar (database versions not stated): ExAC 0.00001; gnomAD exomes 0.00001.
gnomAD v4.1: 2 of 1,614,058 alleles (0.00012%); highest among the groups gnomAD compares: South Asian, 0.0022%; no homozygotes.

Submissions (4):

University of Washington Department of Laboratory Medicine, University of Washington
Classification: Likely benign for Hereditary cancer-predisposing syndrome. Last evaluated: 2023-03-23. Review status: criteria provided, single submitter. Criteria: Dines et al. (Genet Med. 2020). Collection method: curation. Allele origin: germline.
Comment: Missense variant in a coldspot region where missense variants are very unlikely to be pathogenic (PMID:31911673).

BRCA1 coldspot (exon 11 using historical exon numbering). Reclassification based on statistical prior probability

CeGaT Center for Human Genetics Tuebingen
Classification: Uncertain significance. Last evaluated: 2023-02-01. Review status: criteria provided, single submitter. Criteria: CeGaT Center For Human Genetics Tuebingen Variant Classification Criteria Version 2. Collection method: clinical testing. Allele origin: germline. Affected: yes. Observed: 1 variant allele.
Comment: BRCA1: PM2, BP4

Labcorp Genetics (formerly Invitae), Labcorp
Classification: Uncertain significance for Hereditary breast ovarian cancer syndrome. Last evaluated: 2021-11-02. Review status: criteria provided, single submitter. Criteria: Invitae Variant Classification Sherloc (09022015). Collection method: clinical testing. Allele origin: germline.
Comment: This sequence change replaces glycine, which is neutral and non-polar, with serine, which is neutral and polar, at codon 424 of the BRCA1 protein (p.Gly424Ser). This variant has not been reported in the literature in individuals affected with BRCA1-related conditions. This variant is present in population databases (rs763051683, gnomAD 0.006%). ClinVar contains an entry for this variant (Variation ID: 630131). Advanced modeling of protein sequence and biophysical properties (such as structural, functional, and spatial information, amino acid conservation, physicochemical variation, residue mobility, and thermodynamic stability) performed at Invitae indicates that this missense variant is not expected to disrupt BRCA1 protein function. In summary, the available evidence is currently insufficient to determine the role of this variant in disease. Therefore, it has been classified as a Variant of Uncertain Significance.

Color Diagnostics, LLC DBA Color Health
Classification: Uncertain significance for Hereditary cancer-predisposing syndrome. Last evaluated: 2019-05-15. Review status: criteria provided, single submitter. Criteria: ACMG Guidelines, 2015. Collection method: clinical testing. Allele origin: germline.